The following is an entry in ClinVar:

ClinVar aggregate classification (germline): Conflicting classifications of pathogenicity. Review status: criteria provided, conflicting classifications (1 of 4 stars). 3 submissions from 2 submitters: Uncertain significance (1); Benign (1); Likely benign (1). Last evaluated 2026-01-20.

Conditions:
Familial hyperthyroidism due to mutations in TSH receptor. Also called: TOXIC THYROID HYPERPLASIA, AUTOSOMAL DOMINANT; HYPERTHYROIDISM, CONGENITAL NONAUTOIMMUNE; HYPERTHYROIDISM, NONAUTOIMMUNE, AUTOSOMAL DOMINANT. Identifiers: Orphanet 424, MedGen C1836706, MONDO:0012203, OMIM 609152.
Hypothyroidism due to TSH receptor mutations. Also called: Hypothyroidism, congenital, nongoitrous, 1; HYPOTHYROIDISM DUE TO UNRESPONSIVENESS TO THYROTROPIN; HYPOTHYROIDISM, CONGENITAL, DUE TO TSH RESISTANCE; HYPOTHYROIDISM, NONAUTOIMMUNE; THYROID-STIMULATING HORMONE, RESISTANCE TO; TSH RESISTANCE. Identifiers: Orphanet 90673, MedGen C3493776, MONDO:0010142, OMIM 275200.

Allele frequency attached by ClinVar (database versions not stated): gnomAD 0.00018; ExAC 0.00023; TOPMed 0.00025; ESP Exome Variant Server 0.00062.
gnomAD v4.1: 426 of 1,614,078 alleles (0.026%); highest among the groups gnomAD compares: Non-Finnish European, 0.034%; no homozygotes.

Submissions (3):

Labcorp Genetics (formerly Invitae), Labcorp
Classification: Likely benign. Last evaluated: 2026-01-20. Review status: criteria provided, single submitter. Criteria: Invitae Variant Classification Sherloc (09022015). Collection method: clinical testing. Allele origin: germline.

Illumina Laboratory Services, Illumina
Classification: Benign for Familial hyperthyroidism due to mutations in TSH receptor. Last evaluated: 2018-01-13. Review status: criteria provided, single submitter. Criteria: ICSL Variant Classification Criteria 13 December 2019. Collection method: clinical testing. Allele origin: germline.
Comment: This variant was observed in the ICSL laboratory as part of a predisposition screen in an ostensibly healthy population. It had not been previously curated by ICSL or reported in the Human Gene Mutation Database (HGMD: prior to June 1st, 2018), and was therefore a candidate for classification through an automated scoring system. Utilizing variant allele frequency, disease prevalence and penetrance estimates, and inheritance mode, an automated score was calculated to assess if this variant is too frequent to cause the disease. Based on the score and internal cut-off values, a variant classified as benign is not then subjected to further curation. The score for this variant resulted in a classification of benign for this disease.

Illumina Laboratory Services, Illumina
Classification: Uncertain significance for Hypothyroidism due to TSH receptor mutations. Last evaluated: 2018-01-13. Review status: criteria provided, single submitter. Criteria: ICSL Variant Classification Criteria 13 December 2019. Collection method: clinical testing. Allele origin: germline.

NM_000369.5(TSHR):c.735C>G (p.Gly245=)

Genes: TSHR-AS1 (TSHR antisense RNA 1; minus strand), TSHR (thyroid stimulating hormone receptor; plus strand). Cytogenetic location: 14q31.1.
Variant type: single nucleotide variant.
Coding change: c.735C>G on transcript NM_000369.5 (MANE Select); coding-DNA position 735, C replaced by G.
Protein change: p.Gly245=; no amino-acid change (glycine 245 retained).
Molecular consequence: synonymous variant.
Genome position (GRCh38, 1-based): chr14:81,139,721, C>G. VCF-style: chr14-81139721-C-G. GRCh37 (hg19) VCF-style: chr14-81606065-C-G.
Identifiers: ClinVar variation 706506 (VCV000706506.11), dbSNP rs146738314, ClinGen allele CA7294316.
Genomic context (GRCh38, chr14:81,139,721, plus strand): 5'-CTGTTCTCTGCCTCCCAGGGACGTGTCTCAAACCAGTGTCACTGCCCTTCCATCCAAAGG[C>G]CTGGAGCACCTGAAGGAACTGATAGCAAGAAACACCTGGACTCTTAAGAAACTTCCACTT-3'
Protein context (NP_000360.2, residues 235-255): QTSVTALPSK[Gly245=]LEHLKELIAR